The following is an entry in ClinVar:

ClinVar aggregate classification (germline): Likely benign (1 of 4 stars; one submission).

Conditions:
Familial intrahepatic cholestasis. Identifiers: Orphanet 284385, MedGen CN296401, MONDO:0017290.

gnomAD v4.1: 1 of 1,611,640 alleles (0.000062%); highest among the groups gnomAD compares: African/African-American, 0.0013%; no homozygotes.

Submission:

Genomenon, Inc
Classification: Likely benign for Familial intrahepatic cholestasis. Last evaluated: 2026-04-14. Review status: criteria provided, single submitter. Criteria: Genomenon Sequence Variant Interpretation Standards - Updated. Collection method: curation. Allele origin: germline. Affected: yes.
Comment: ATP8B1 c.493-56G>C is an intronic variant located in intron 5. This variant has been observed in at least one proband with features of ATP8B1-deficiency (PMID:11093741). It is absent or not present at a significant frequency in gnomAD. This intronic variant is not predicted to impact splicing. In conclusion, we classify ATP8B1 c.493-56G>C as a likely benign variant.

Literature cited by the submitters: PubMed 11093741.

NM_001374385.1(ATP8B1):c.493-56G>C

Gene: ATP8B1 (ATPase phospholipid transporting 8B1; minus strand). Cytogenetic location: 18q21.31.
Variant type: single nucleotide variant.
Coding change: c.493-56G>C on transcript NM_001374385.1 (MANE Select); 56 bases into the intron before coding-DNA position 493, G replaced by C.
Molecular consequence: intron variant.
Genome position (GRCh38, 1-based): chr18:57,701,156, C>G on the plus strand (G>C on the coding strand, the complement: ATP8B1 is on the minus strand). VCF-style: chr18-57701156-C-G. GRCh37 (hg19) VCF-style: chr18-55368388-C-G.
Other names: c.493-56G>C (NM_005603.6); c.343-56G>C (NM_001374386.1).
Identifiers: ClinVar variation 4846465 (VCV004846465.1).